The following is an entry in ClinVar:

ClinVar aggregate classification (germline): Likely benign. Review status: criteria provided, multiple submitters, no conflicts (2 of 4 stars). 3 submissions from 3 submitters: Likely benign (2). 1 of the submissions does not count toward it. Last evaluated 2022-08-23.

Conditions:
Early-infantile DEE. Also called: Early infantile epileptic encephalopathy; Ohtahara syndrome; Early infantile epileptic encephalopathy with suppression bursts. Identifiers: Orphanet 1934, MedGen C0393706, MONDO:0800491.
SCN1A-related disorder. Also called: SCN1A-related conditions; SCN1A-related condition; SCN1A-related disorders.

Allele frequency attached by ClinVar (database versions not stated): TOPMed below 0.00001; gnomAD 0.00001.
gnomAD v4.1: 2 of 1,611,956 alleles (0.00012%); highest among the groups gnomAD compares: African/African-American, 0.0027%; no homozygotes.

Submissions (3):

Labcorp Genetics (formerly Invitae), Labcorp
Classification: Likely benign for Early-infantile DEE. Last evaluated: 2022-08-23. Review status: criteria provided, single submitter. Criteria: Invitae Variant Classification Sherloc (09022015). Collection method: clinical testing. Allele origin: germline.

Breakthrough Genomics
Classification: Likely benign. Review status: criteria provided, single submitter. Criteria: ACMG Guidelines, 2015. Collection method: not provided. Allele origin: germline. Inheritance: Autosomal dominant inheritance. Affected: yes.

PreventionGenetics, part of Exact Sciences
Classification: Likely benign for SCN1A-related condition. Last evaluated: 2022-03-16. Review status: no assertion criteria provided. Collection method: clinical testing. Allele origin: germline. Not counted in ClinVar's aggregate classification.
Comment: This variant is classified as likely benign based on ACMG/AMP sequence variant interpretation guidelines (Richards et al. 2015 PMID: 25741868, with internal and published modifications).

NM_001165963.4(SCN1A):c.4143T>G (p.Thr1381=)

Genes: SCN1A (sodium voltage-gated channel alpha subunit 1; minus strand), LOC102724058 (uncharacterized LOC102724058; plus strand). Cytogenetic location: 2q24.3.
Variant type: single nucleotide variant.
Coding change: c.4143T>G on transcript NM_001165963.4 (MANE Select); coding-DNA position 4143, T replaced by G.
Protein change: p.Thr1381=; no amino-acid change (threonine 1381 retained).
Molecular consequence: synonymous variant. On other transcripts: non-coding transcript variant (1).
Genome position (GRCh38, 1-based): chr2:166,002,613, A>C on the plus strand (T>G on the coding strand, the complement: SCN1A is on the minus strand). VCF-style: chr2-166002613-A-C. GRCh37 (hg19) VCF-style: chr2-166859123-A-C.
Other names: c.4059T>G, p.Thr1353= (NM_001165964.3, NM_001353957.2, NM_001353958.2); c.4143T>G, p.Thr1381= (NM_001202435.3, NM_001353948.2); c.4110T>G, p.Thr1370= (NM_001353949.2, NM_001353950.2, NM_001353951.2 and 2 more transcripts); c.4107T>G, p.Thr1369= (NM_001353954.2, NM_001353955.2); c.4056T>G, p.Thr1352= (NM_001353960.2); c.1701T>G, p.Thr567= (NM_001353961.2); c.4143T>G (NM_001202435.1).
Identifiers: ClinVar variation 1627652 (VCV001627652.12), dbSNP rs1240740243, ClinGen allele CA429893601.